The following is an entry in ClinVar:

NM_000487.6(ARSA):c.466-3C>G

Gene: ARSA (arylsulfatase A; minus strand). Cytogenetic location: 22q13.33.
Variant type: single nucleotide variant.
Coding change: c.466-3C>G on transcript NM_000487.6 (MANE Select); 3 bases into the intron before coding-DNA position 466, C replaced by G.
Molecular consequence: intron variant.
Genome position (GRCh38, 1-based): chr22:50,627,055, G>C on the plus strand (C>G on the coding strand, the complement: ARSA is on the minus strand). VCF-style: chr22-50627055-G-C. GRCh37 (hg19) VCF-style: chr22-51065483-G-C.
Other names: c.208-3C>G (NM_001362782.2, NM_001085428.3); c.466-3C>G (NM_001085427.3, NM_001085426.3, NM_001085425.3).
Identifiers: ClinVar variation 3684004 (VCV003684004.3).

ClinVar aggregate classification (germline): Uncertain significance. Review status: criteria provided, multiple submitters, no conflicts (2 of 4 stars). 2 submissions from 2 submitters: Uncertain significance (2). Last evaluated 2024-08-29.

Conditions:
Metachromatic leukodystrophy (MLD). Also called: ARSA DEFICIENCY; CEREBROSIDE SULFATASE DEFICIENCY; METACHROMATIC LEUKOENCEPHALOPATHY; SULFATIDE LIPIDOSIS; Cerebral sclerosis diffuse metachromatic form; Arylsulfatase A Deficiency. Identifiers: Orphanet 512, MedGen C0023522, MONDO:0018868, OMIM 250100.

Submissions (2):

GeneDx
Classification: Uncertain significance. Last evaluated: 2024-08-29. Review status: criteria provided, single submitter. Criteria: GeneDx Variant Classification Process June 2021. Collection method: clinical testing. Allele origin: germline. Affected: yes.
Comment: Not observed at significant frequency in large population cohorts (gnomAD); In silico analysis supports a deleterious effect on splicing; Has not been previously published as pathogenic or benign to our knowledge

Labcorp Genetics (formerly Invitae), Labcorp
Classification: Uncertain significance for Metachromatic leukodystrophy. Last evaluated: 2024-03-29. Review status: criteria provided, single submitter. Criteria: Invitae Variant Classification Sherloc (09022015). Collection method: clinical testing. Allele origin: germline.
Comment: This sequence change falls in intron 2 of the ARSA gene. It does not directly change the encoded amino acid sequence of the ARSA protein. It affects a nucleotide within the consensus splice site. This variant is not present in population databases (gnomAD no frequency). This variant has not been reported in the literature in individuals affected with ARSA-related conditions. Variants that disrupt the consensus splice site are a relatively common cause of aberrant splicing (PMID: 17576681, 9536098). Algorithms developed to predict the effect of sequence changes on RNA splicing suggest that this variant may disrupt the consensus splice site. In summary, the available evidence is currently insufficient to determine the role of this variant in disease. Therefore, it has been classified as a Variant of Uncertain Significance.

Literature cited by the submitters: PubMed 17576681 (cited by Labcorp Genetics (formerly Invitae), Labcorp); PubMed 9536098 (cited by Labcorp Genetics (formerly Invitae), Labcorp).